The following is an entry in ClinVar:

ClinVar aggregate classification (germline): Likely pathogenic (1 of 4 stars; one submission).

Conditions:
FUS-related disorder. Also called: FUS-related condition.

gnomAD v4.1: 4 of 1,612,770 alleles (0.00025%); highest among the groups gnomAD compares: Non-Finnish European, 0.00034%; no homozygotes.

Submission:

PreventionGenetics, part of Exact Sciences
Classification: Likely pathogenic for FUS-related disorder. Last evaluated: 2025-11-24. Review status: criteria provided, single submitter. Criteria: ACMG Guidelines, 2015. Collection method: clinical testing. Allele origin: germline.
Comment: To our knowledge, this variant has not been reported in the literature or in a large population database (gnomAD), indicating this variant is rare. This variant is located within the conserved C-terminal region of FUS, where missense change is not expected to be tolerated and is considered a hot spot for ALS-causing variants (Lattante et al. 2013. PubMed ID: 23559573). This variant is interpreted as likely pathogenic.

NM_004960.4(FUS):c.1522C>G (p.Pro508Ala)

Gene: FUS (FUS RNA binding protein; plus strand). Cytogenetic location: 16p11.2.
Variant type: single nucleotide variant.
Coding change: c.1522C>G on transcript NM_004960.4 (MANE Select); coding-DNA position 1522, C replaced by G.
Protein change: p.Pro508Ala; replaces proline 508 with alanine.
Molecular consequence: missense variant. On other transcripts: non-coding transcript variant (1).
Genome position (GRCh38, 1-based): chr16:31,191,091, C>G. VCF-style: chr16-31191091-C-G. GRCh37 (hg19) VCF-style: chr16-31202412-C-G.
Other names: c.1519C>G, p.Pro507Ala (NM_001170634.1); c.1510C>G, p.Pro504Ala (NM_001170937.1); short protein forms P504A, P507A, P508A.
Identifiers: ClinVar variation 4884874 (VCV004884874.1).